The following is an entry in ClinVar:

NM_018089.3(ANKZF1):c.392A>G (p.Glu131Gly)

Gene: ANKZF1 (ankyrin repeat and zinc finger peptidyl tRNA hydrolase 1; plus strand). Cytogenetic location: 2q35.
Variant type: single nucleotide variant.
Coding change: c.392A>G on transcript NM_018089.3 (MANE Select); coding-DNA position 392, A replaced by G.
Protein change: p.Glu131Gly; replaces glutamic acid 131 with glycine.
Molecular consequence: missense variant. On other transcripts: 5 prime UTR variant (1).
Genome position (GRCh38, 1-based): chr2:219,232,517, A>G. VCF-style: chr2-219232517-A-G. GRCh37 (hg19) VCF-style: chr2-220097239-A-G.
Other names: c.392A>G, p.Glu131Gly (NM_001042410.2); c.-239A>G (NM_001282792.2); short protein forms E131G.
Identifiers: ClinVar variation 1475151 (VCV001475151.9), dbSNP rs1951073426, ClinGen allele CA350673453.

ClinVar aggregate classification (germline): Uncertain significance. Review status: criteria provided, multiple submitters, no conflicts (2 of 4 stars). 2 submissions from 2 submitters: Uncertain significance (2). Last evaluated 2023-03-08.

Allele frequency attached by ClinVar (database versions not stated): gnomAD exomes below 0.00001; TOPMed below 0.00001.

Submissions (2):

Labcorp Genetics (formerly Invitae), Labcorp
Classification: Uncertain significance. Last evaluated: 2023-03-08. Review status: criteria provided, single submitter. Criteria: Invitae Variant Classification Sherloc (09022015). Collection method: clinical testing. Allele origin: germline.
Comment: In summary, the available evidence is currently insufficient to determine the role of this variant in disease. Therefore, it has been classified as a Variant of Uncertain Significance. An algorithm developed to predict the effect of missense changes on protein structure and function (PolyPhen-2) suggests that this variant is likely to be tolerated. ClinVar contains an entry for this variant (Variation ID: 1475151). This variant has not been reported in the literature in individuals affected with ANKZF1-related conditions. This variant is not present in population databases (gnomAD no frequency). This sequence change replaces glutamic acid, which is acidic and polar, with glycine, which is neutral and non-polar, at codon 131 of the ANKZF1 protein (p.Glu131Gly).

Breakthrough Genomics
Classification: Uncertain significance. Review status: criteria provided, single submitter. Criteria: ACMG Guidelines, 2015. Collection method: not provided. Allele origin: germline. Inheritance: Unknown mechanism. Affected: yes.